The following is an entry in ClinVar:

NM_000465.4(BARD1):c.541G>A (p.Glu181Lys)

Gene: BARD1 (BRCA1 associated RING domain 1; minus strand). Cytogenetic location: 2q35.
Variant type: single nucleotide variant.
Coding change: c.541G>A on transcript NM_000465.4 (MANE Select); coding-DNA position 541, G replaced by A.
Protein change: p.Glu181Lys; replaces glutamic acid 181 with lysine.
Molecular consequence: missense variant. On other transcripts: non-coding transcript variant (2), intron variant (3).
Genome position (GRCh38, 1-based): chr2:214,781,333, C>T on the plus strand (G>A on the coding strand, the complement: BARD1 is on the minus strand). VCF-style: chr2-214781333-C-T. GRCh37 (hg19) VCF-style: chr2-215646057-C-T.
Other names: c.484G>A, p.Glu162Lys (NM_001282543.2); c.158+28079G>A (NM_001282548.2); c.215+15728G>A (NM_001282545.2); c.364+10964G>A (NM_001282549.2); short protein forms E162K, E181K.
Identifiers: ClinVar variation 944736 (VCV000944736.15), dbSNP rs1695019560, ClinGen allele CA350457427.

ClinVar aggregate classification (germline): Uncertain significance. Review status: criteria provided, multiple submitters, no conflicts (2 of 4 stars). 3 submissions from 3 submitters: Uncertain significance (3). Last evaluated 2023-10-20.

Conditions:
Hereditary cancer-predisposing syndrome. Also called: Neoplastic Syndromes, Hereditary; Hereditary Cancer Syndrome; Tumor predisposition; Hereditary neoplastic syndrome. Identifiers: Orphanet 140162, MedGen C0027672, MeSH D009386, MONDO:0015356.
Familial cancer of breast. Also called: hereditary breast carcinoma; BREAST CANCER, FAMILIAL; Hereditary breast cancer. Identifiers: Orphanet 227535, MedGen C0346153, MONDO:0016419, OMIM 114480. Disease mechanism: loss of function.

Submissions (3):

GeneDx
Classification: Uncertain significance. Last evaluated: 2023-10-20. Review status: criteria provided, single submitter. Criteria: GeneDx Variant Classification Process June 2021. Collection method: clinical testing. Allele origin: germline. Affected: yes.
Comment: Not observed at significant frequency in large population cohorts (gnomAD); In silico analysis supports that this missense variant does not alter protein structure/function; Has not been previously published as pathogenic or benign to our knowledge

Labcorp Genetics (formerly Invitae), Labcorp
Classification: Uncertain significance for Familial cancer of breast. Last evaluated: 2022-12-24. Review status: criteria provided, single submitter. Criteria: Invitae Variant Classification Sherloc (09022015). Collection method: clinical testing. Allele origin: germline.
Comment: This sequence change replaces glutamic acid, which is acidic and polar, with lysine, which is basic and polar, at codon 181 of the BARD1 protein (p.Glu181Lys). This variant is not present in population databases (gnomAD no frequency). This variant has not been reported in the literature in individuals affected with BARD1-related conditions. ClinVar contains an entry for this variant (Variation ID: 944736). Algorithms developed to predict the effect of missense changes on protein structure and function (SIFT, PolyPhen-2, Align-GVGD) all suggest that this variant is likely to be tolerated. In summary, the available evidence is currently insufficient to determine the role of this variant in disease. Therefore, it has been classified as a Variant of Uncertain Significance.

Ambry Genetics
Classification: Uncertain significance for Hereditary cancer-predisposing syndrome. Last evaluated: 2020-10-01. Review status: criteria provided, single submitter. Criteria: Ambry Variant Classification Scheme 2023. Collection method: clinical testing. Allele origin: germline.
Comment: The p.E181K variant (also known as c.541G>A), located in coding exon 4 of the BARD1 gene, results from a G to A substitution at nucleotide position 541. The glutamic acid at codon 181 is replaced by lysine, an amino acid with similar properties. This amino acid position is well conserved in available vertebrate species. In addition, this alteration is predicted to be tolerated by in silico analysis. Since supporting evidence is limited at this time, the clinical significance of this alteration remains unclear.